The following is an entry in ClinVar:

ClinVar aggregate classification (germline): Benign/Likely benign. Review status: criteria provided, multiple submitters, no conflicts (2 of 4 stars). 4 submissions from 4 submitters: Benign (1); Likely benign (2). 1 of the submissions does not count toward it. Last evaluated 2025-11-09.

Conditions:
RFT1-related disorder. Also called: RFT1-related condition.
RFT1-congenital disorder of glycosylation (CDG1N). Also called: CDG In; Congenital disorder of glycosylation type In; RFT1-CDG. Identifiers: Orphanet 244310, MedGen C2677590, MONDO:0012783, OMIM 612015.

Allele frequency attached by ClinVar (database versions not stated): gnomAD 0.00020 and 0.00034; gnomAD exomes 0.00024 and 0.00088; TOPMed 0.00066; ExAC 0.00087; 1000 Genomes Project 30x 0.00187; 1000 Genomes Project 0.00220.
gnomAD v4.1: 401 of 1,613,056 alleles (0.025%); highest among the groups gnomAD compares: East Asian, 0.76%; 5 homozygotes.

Submissions (4):

Labcorp Genetics (formerly Invitae), Labcorp
Classification: Benign for RFT1-congenital disorder of glycosylation. Last evaluated: 2025-11-09. Review status: criteria provided, single submitter. Criteria: Invitae Variant Classification Sherloc (09022015). Collection method: clinical testing. Allele origin: germline.

Blueprint Genetics
Classification: Likely benign. Last evaluated: 2024-10-24. Review status: criteria provided, single submitter. Criteria: ACMG Guidelines, 2015. Collection method: clinical testing. Allele origin: germline.

Illumina Laboratory Services, Illumina
Classification: Likely benign for RFT1-congenital disorder of glycosylation. Last evaluated: 2018-01-13. Review status: criteria provided, single submitter. Criteria: ICSL Variant Classification Criteria 13 December 2019. Collection method: clinical testing. Allele origin: germline.
Comment: This variant was observed in the ICSL laboratory as part of a predisposition screen in an ostensibly healthy population. It had not been previously curated by ICSL or reported in the Human Gene Mutation Database (HGMD: prior to June 1st, 2018), and was therefore a candidate for classification through an automated scoring system. Utilizing variant allele frequency, disease prevalence and penetrance estimates, and inheritance mode, an automated score was calculated to assess if this variant is too frequent to cause the disease. Based on the score and internal cut-off values, a variant classified as likely benign is not then subjected to further curation. The score for this variant resulted in a classification of likely benign for this disease.

PreventionGenetics, part of Exact Sciences
Classification: Benign for RFT1-related condition. Last evaluated: 2020-05-13. Review status: no assertion criteria provided. Collection method: clinical testing. Allele origin: germline. Not counted in ClinVar's aggregate classification.
Comment: This variant is classified as benign based on ACMG/AMP sequence variant interpretation guidelines (Richards et al. 2015 PMID: 25741868, with internal and published modifications).

NM_052859.4(RFT1):c.632C>T (p.Thr211Ile)

Gene: RFT1 (RFT1 glycolipid translocator homolog; minus strand). Cytogenetic location: 3p21.1.
Variant type: single nucleotide variant.
Coding change: c.632C>T on transcript NM_052859.4 (MANE Select); coding-DNA position 632, C replaced by T.
Protein change: p.Thr211Ile; replaces threonine 211 with isoleucine.
Molecular consequence: missense variant.
Genome position (GRCh38, 1-based): chr3:53,119,948, G>A on the plus strand (C>T on the coding strand, the complement: RFT1 is on the minus strand). VCF-style: chr3-53119948-G-A. GRCh37 (hg19) VCF-style: chr3-53153964-G-A.
Other names: short protein forms T211I.
Identifiers: ClinVar variation 346194 (VCV000346194.16), dbSNP rs148289202, ClinGen allele CA2451394.
Genomic context (GRCh38, chr3:53,119,948, plus strand): 5'-TTTCTTGTAATATTGGGTAACAGATCTGTTATTCTGGAGACAGGAAGAGTTTGAAGCTTG[G>A]TTGATTCTGGGGAACCCAGTAACTTTGTGAAATAAATAACATAGCAGAGCACCAGAACTG-3'
Protein context (NP_443091.1, residues 201-221): FTKLLGSPES[Thr211Ile]KLQTLPVSRI